The following is an entry in ClinVar:

ClinVar aggregate classification (germline): Likely benign. Review status: criteria provided, multiple submitters, no conflicts (2 of 4 stars). 4 submissions from 4 submitters: Likely benign (3). 1 of the submissions does not count toward it. Last evaluated 2024-12-23.

Conditions:
ALG13-related disorder. Also called: ALG13-related condition.

Allele frequency attached by ClinVar (database versions not stated): gnomAD 0.00021; TOPMed 0.00026; ESP Exome Variant Server 0.00057.
gnomAD v4.1: 648 of 1,207,791 alleles (0.054%); highest among the groups gnomAD compares: Non-Finnish European, 0.065%; no homozygotes.

Submissions (4):

Athena Diagnostics
Classification: Likely benign. Last evaluated: 2024-12-23. Review status: criteria provided, single submitter. Criteria: Athena Diagnostics Criteria. Collection method: clinical testing. Allele origin: unknown.
Comment: The frequency of this variant in the general population is higher than would generally be expected for pathogenic variants in this gene. This nucleotide position exhibits low evolutionary conservation.

Blueprint Genetics
Classification: Likely benign. Last evaluated: 2024-02-16. Review status: criteria provided, single submitter. Criteria: ACMG Guidelines, 2015. Collection method: clinical testing. Allele origin: germline.

GeneDx
Classification: Likely benign. Last evaluated: 2017-12-01. Review status: criteria provided, single submitter. Criteria: GeneDx Variant Classification (06012015). Collection method: clinical testing. Allele origin: germline. Affected: yes.
Comment: This variant is considered likely benign or benign based on one or more of the following criteria: it is a conservative change, it occurs at a poorly conserved position in the protein, it is predicted to be benign by multiple in silico algorithms, and/or has population frequency not consistent with disease.

PreventionGenetics, part of Exact Sciences
Classification: Likely benign for ALG13-related condition. Last evaluated: 2019-08-30. Review status: no assertion criteria provided. Collection method: clinical testing. Allele origin: germline. Not counted in ClinVar's aggregate classification.
Comment: This variant is classified as likely benign based on ACMG/AMP sequence variant interpretation guidelines (Richards et al. 2015 PMID: 25741868, with internal and published modifications).

NM_001099922.3(ALG13):c.-9A>G

Gene: ALG13 (ALG13 UDP-N-acetylglucosaminyltransferase subunit; plus strand). Cytogenetic location: Xq23.
Variant type: single nucleotide variant.
Coding change: c.-9A>G on transcript NM_001099922.3 (MANE Select); 9 bases upstream of the start codon, A replaced by G.
Molecular consequence: 5 prime UTR variant. On other transcripts: non-coding transcript variant (3).
Genome position (GRCh38, 1-based): chrX:111,681,210, A>G. VCF-style: chrX-111681210-A-G. GRCh37 (hg19) VCF-style: chrX-110924438-A-G.
Other names: c.-9A>G (NM_001039210.5, NM_001168385.3, NM_001324290.2 and 2 more transcripts); c.-217A>G (NM_001257230.2, NM_001324291.2); c.-309A>G (NM_001257231.2, NM_001257241.3); c.-342A>G (NM_001257234.2, NM_001257235.3); c.-446A>G (NM_001257237.2, NM_001257240.3, NM_001324293.1).
Identifiers: ClinVar variation 387664 (VCV000387664.5), dbSNP rs374253660, ClinGen allele CA10493409.